The following is an entry in ClinVar:

ClinVar aggregate classification (germline): Uncertain significance. Review status: criteria provided, multiple submitters, no conflicts (2 of 4 stars). 2 submissions from 2 submitters: Uncertain significance (2). Last evaluated 2022-01-11.

Conditions:
Yao syndrome. Also called: Susceptibility to Yao syndrome. Identifiers: MedGen C4310620, MONDO:0015019, OMIM 617321.
Inflammatory bowel disease 1 (IBD1). Also called: Inflammatory bowel disease 1, Crohn disease; INFLAMMATORY BOWEL DISEASE (CROHN DISEASE) 1. Identifiers: MedGen CN260071, MONDO:0009960, OMIM 266600.
Blau syndrome (BLAUS). Also called: GRANULOMATOSIS, FAMILIAL JUVENILE SYSTEMIC; GRANULOMATOSIS, FAMILIAL, BLAU TYPE; GRANULOMATOUS INFLAMMATORY ARTHRITIS, DERMATITIS, AND UVEITIS, FAMILIAL; JABS SYNDROME; ARTHROCUTANEOUVEAL GRANULOMATOSIS. Identifiers: Orphanet 90340, MedGen C5201146, MONDO:0008523, OMIM 186580.
Regional enteritis. Also called: Enteritis, Granulomatous. Identifiers: MedGen C0678202, MeSH D003424.

gnomAD v4.1: 1 of 1,613,776 alleles (0.000062%); no homozygotes.

Submissions (2):

Fulgent Genetics
Classification: Uncertain significance for Blau syndrome; Inflammatory bowel disease 1; Yao syndrome. Last evaluated: 2022-01-11. Review status: criteria provided, single submitter. Criteria: ACMG Guidelines, 2015. Collection method: clinical testing. Allele origin: unknown.

Labcorp Genetics (formerly Invitae), Labcorp
Classification: Uncertain significance for Regional enteritis; Blau syndrome. Last evaluated: 2020-05-07. Review status: criteria provided, single submitter. Criteria: Invitae Variant Classification Sherloc (09022015). Collection method: clinical testing. Allele origin: germline.
Comment: This variant has not been reported in the literature in individuals with NOD2-related conditions. This variant is not present in population databases (ExAC no frequency). This sequence change replaces arginine with glycine at codon 642 of the NOD2 protein (p.Arg642Gly). The arginine residue is moderately conserved and there is a moderate physicochemical difference between arginine and glycine. In summary, the available evidence is currently insufficient to determine the role of this variant in disease. Therefore, it has been classified as a Variant of Uncertain Significance. Algorithms developed to predict the effect of missense changes on protein structure and function output the following: SIFT: "Deleterious"; PolyPhen-2: "Benign"; Align-GVGD: "Class C0". The glycine amino acid residue is found in multiple mammalian species, suggesting that this missense change does not adversely affect protein function. These predictions have not been confirmed by published functional studies and their clinical significance is uncertain.

NM_001370466.1(NOD2):c.1843A>G (p.Arg615Gly)

Gene: NOD2 (nucleotide binding oligomerization domain containing 2; plus strand). Cytogenetic location: 16q12.1.
Variant type: single nucleotide variant.
Coding change: c.1843A>G on transcript NM_001370466.1 (MANE Select); coding-DNA position 1843, A replaced by G.
Protein change: p.Arg615Gly; replaces arginine 615 with glycine.
Molecular consequence: missense variant. On other transcripts: non-coding transcript variant (1).
Genome position (GRCh38, 1-based): chr16:50,711,835, A>G. VCF-style: chr16-50711835-A-G. GRCh37 (hg19) VCF-style: chr16-50745746-A-G.
Other names: c.1843A>G, p.Arg615Gly (NM_001293557.2); c.1924A>G, p.Arg642Gly (NM_022162.3); short protein forms R615G, R642G.
Identifiers: ClinVar variation 1026999 (VCV001026999.10), dbSNP rs1964529815, ClinGen allele CA395870214.